The following is an entry in ClinVar:

NM_198253.3(TERT):c.2645C>G (p.Thr882Ser)

Gene: TERT (telomerase reverse transcriptase; minus strand). Cytogenetic location: 5p15.33.
Variant type: single nucleotide variant.
Coding change: c.2645C>G on transcript NM_198253.3 (MANE Select); coding-DNA position 2645, C replaced by G.
Protein change: p.Thr882Ser; replaces threonine 882 with serine.
Molecular consequence: missense variant. On other transcripts: non-coding transcript variant (2).
Genome position (GRCh38, 1-based): chr5:1,266,473, G>C on the plus strand (C>G on the coding strand, the complement: TERT is on the minus strand). VCF-style: chr5-1266473-G-C. GRCh37 (hg19) VCF-style: chr5-1266588-G-C.
Other names: c.2645C>G, p.Thr882Ser (NM_001193376.3, NM_003219.1); short protein forms T882S.
Identifiers: ClinVar variation 2926509 (VCV002926509.4), dbSNP rs2478165538, ClinGen allele CA359073119.

ClinVar aggregate classification (germline): Uncertain significance. Review status: criteria provided, multiple submitters, no conflicts (2 of 4 stars). 2 submissions from 2 submitters: Uncertain significance (2). Last evaluated 2025-10-14.

Conditions:
Dyskeratosis congenita, autosomal dominant 2. Identifiers: MedGen C3151443, MONDO:0013521, OMIM 613989.
Idiopathic Pulmonary Fibrosis. Also called: Idiopathic fibrosing alveolitis, chronic form; idiopathic fibrosing alveolitis. Identifiers: Orphanet 2032, MedGen C1800706, MeSH D054990, MONDO:0800504.
Dyskeratosis congenita. Identifiers: Orphanet 1775, MedGen C0265965, MONDO:0015780.

Submissions (2):

Ambry Genetics
Classification: Uncertain significance for Dyskeratosis congenita. Last evaluated: 2025-10-14. Review status: criteria provided, single submitter. Criteria: Ambry Variant Classification Scheme 2023. Collection method: clinical testing. Allele origin: germline.
Comment: The p.T882S variant (also known as c.2645C>G), located in coding exon 10 of the TERT gene, results from a C to G substitution at nucleotide position 2645. The threonine at codon 882 is replaced by serine, an amino acid with similar properties. This amino acid position is conserved. In addition, this alteration is predicted to be tolerated by in silico analysis. Based on the available evidence, the clinical significance of this variant remains unclear.

Labcorp Genetics (formerly Invitae), Labcorp
Classification: Uncertain significance for Dyskeratosis congenita, autosomal dominant 2; Idiopathic Pulmonary Fibrosis. Last evaluated: 2023-06-27. Review status: criteria provided, single submitter. Criteria: Invitae Variant Classification Sherloc (09022015). Collection method: clinical testing. Allele origin: germline.
Comment: In summary, the available evidence is currently insufficient to determine the role of this variant in disease. Therefore, it has been classified as a Variant of Uncertain Significance. Advanced modeling of protein sequence and biophysical properties (such as structural, functional, and spatial information, amino acid conservation, physicochemical variation, residue mobility, and thermodynamic stability) performed at Invitae indicates that this missense variant is not expected to disrupt TERT protein function. This variant has not been reported in the literature in individuals affected with TERT-related conditions. This variant is not present in population databases (gnomAD no frequency). This sequence change replaces threonine, which is neutral and polar, with serine, which is neutral and polar, at codon 882 of the TERT protein (p.Thr882Ser).